The following is an entry in ClinVar:

NM_032242.4(PLXNA1):c.224C>G (p.Ser75Trp)

Gene: PLXNA1 (plexin A1; plus strand). Cytogenetic location: 3q21.3.
Variant type: single nucleotide variant.
Coding change: c.224C>G on transcript NM_032242.4 (MANE Select); coding-DNA position 224, C replaced by G.
Protein change: p.Ser75Trp; replaces serine 75 with tryptophan.
Molecular consequence: missense variant.
Genome position (GRCh38, 1-based): chr3:126,988,817, C>G. VCF-style: chr3-126988817-C-G. GRCh37 (hg19) VCF-style: chr3-126707660-C-G.
Other names: short protein forms S75W.
Identifiers: ClinVar variation 4743637 (VCV004743637.1).

ClinVar aggregate classification (germline): Uncertain significance (1 of 4 stars; one submission).

Submission:

Labcorp Genetics (formerly Invitae), Labcorp
Classification: Uncertain significance. Last evaluated: 2025-02-26. Review status: criteria provided, single submitter. Criteria: Invitae Variant Classification Sherloc (09022015). Collection method: clinical testing. Allele origin: germline.
Comment: This sequence change replaces serine, which is neutral and polar, with tryptophan, which is neutral and slightly polar, at codon 75 of the PLXNA1 protein (p.Ser75Trp). This variant is not present in population databases (gnomAD no frequency). This variant has not been reported in the literature in individuals affected with PLXNA1-related conditions. Invitae Evidence Modeling of protein sequence and biophysical properties (such as structural, functional, and spatial information, amino acid conservation, physicochemical variation, residue mobility, and thermodynamic stability) indicates that this missense variant is not expected to disrupt PLXNA1 protein function with a negative predictive value of 80%. In summary, the available evidence is currently insufficient to determine the role of this variant in disease. Therefore, it has been classified as a Variant of Uncertain Significance.